The following is an entry in ClinVar:

NM_022081.6(HPS4):c.1501_1505del (p.His501fs)

Gene: HPS4 (HPS4 biogenesis of lysosomal organelles complex 3 subunit 2; minus strand). Cytogenetic location: 22q12.1.
Variant type: Deletion.
Coding change: c.1501_1505del on transcript NM_022081.6 (MANE Select); coding-DNA positions 1501 to 1505, 5 bases deleted (CACGC; older notation c.1501_1505delCACGC).
Protein change: p.His501fs; shifts the reading frame from histidine 501.
Molecular consequence: frameshift variant. On other transcripts: non-coding transcript variant (8).
Genome position (GRCh38, 1-based): chr22:26,464,125-26,464,129, GCGTG deleted on the plus strand (CACGC on the coding strand, the reverse complement: HPS4 is on the minus strand); deleting any 5 consecutive bases within chr22:26,464,125-26,464,131 gives the same sequence; the c. name uses the placement nearest the transcript's 3' end. VCF-style (leftmost placement, unchanged base first): chr22-26464124-TGCGTG-T. GRCh37 (hg19) VCF-style: chr22-26860090-TGCGTG-T.
Other names: c.1501_1505del, p.His501fs (NM_001349896.1, NM_001349898.2, NM_001349899.2 and 5 more transcripts); c.1555_1559del, p.His519fs (NM_001349900.2, NM_001349901.1); c.1486_1490del, p.His496fs (NM_152841.2); c.1501_1505delCACGC (NM_022081.5); short protein forms H496fs, H501fs, H519fs.
Identifiers: ClinVar variation 2503822 (VCV002503822.1), dbSNP rs2518199038, ClinGen allele CA2580615268.
Genomic context (GRCh38, chr22:26,464,124, plus strand): 5'-TGCAGAGGGGCCAGCACCCTGACAGTTTGCTGAGCCTGAACTGCATTCCAGACCAGGGGC[TGCGTG>T]GCTTTCACAGACCCCATCAACATCCTCATCCAGGCCTTGTTCCCCCGTGGGAAGCTTGTT-3'

ClinVar aggregate classification (germline): Likely pathogenic (1 of 4 stars; one submission).

Conditions:
Hermansky-Pudlak syndrome (HPS). Also called: ALBINISM WITH HEMORRHAGIC DIATHESIS AND PIGMENTED RETICULOENDOTHELIAL CELLS. Identifiers: Orphanet 79430, MedGen C0079504, MONDO:0019312.

Submission:

Women's Health and Genetics/Laboratory Corporation of America, LabCorp
Classification: Likely pathogenic for Hermansky-Pudlak syndrome. Last evaluated: 2023-04-06. Review status: criteria provided, single submitter. Criteria: LabCorp Variant Classification Summary - May 2015. Collection method: clinical testing. Allele origin: germline.
Comment: Variant summary: HPS4 c.1501_1505delCACGC (p.His501SerfsX56) results in a premature termination codon, predicted to cause a truncation of the encoded protein or absence of the protein due to nonsense mediated decay, which are commonly known mechanisms for disease. At least one truncation downstream of this position has been classified as pathogenic by our laboratory. The variant was absent in 251484 control chromosomes (gnomAD). To our knowledge, no occurrence of c.1501_1505delCACGC in individuals affected with Hermansky-Pudlak Syndrome and no experimental evidence demonstrating its impact on protein function have been reported. No clinical diagnostic laboratories have submitted clinical-significance assessments for this variant to ClinVar after 2014. Based on the evidence outlined above, the variant was classified as likely pathogenic.